The following is an entry in ClinVar:

NM_005732.4(RAD50):c.113A>T (p.Asn38Ile)

Gene: RAD50 (RAD50 double strand break repair protein; plus strand). Cytogenetic location: 5q31.1.
Variant type: single nucleotide variant.
Coding change: c.113A>T on transcript NM_005732.4 (MANE Select); coding-DNA position 113, A replaced by T.
Protein change: p.Asn38Ile; replaces asparagine 38 with isoleucine.
Molecular consequence: missense variant.
Genome position (GRCh38, 1-based): chr5:132,557,437, A>T. VCF-style: chr5-132557437-A-T. GRCh37 (hg19) VCF-style: chr5-131893129-A-T.
Other names: short protein forms N38I.
Identifiers: ClinVar variation 1467166 (VCV001467166.6), dbSNP rs750480943, ClinGen allele CA360951821.
Genomic context (GRCh38, chr5:132,557,437, plus strand): 5'-AGGACAAAGATAAGCAAATTATCACTTTCTTCAGCCCCCTTACAATTTTGGTTGGACCCA[A>T]TGGGGCGGGAAAGACGGTAAGTCTTCAGTAGCCGCCTTCAGTTTACAGGTCGCTACATCT-3'
Protein context (NP_005723.2, residues 28-48): FSPLTILVGP[Asn38Ile]GAGKTTIIEC

ClinVar aggregate classification (germline): Uncertain significance (1 of 4 stars; one submission).

Conditions:
Hereditary cancer-predisposing syndrome. Also called: Tumor predisposition; Hereditary Cancer Syndrome; Hereditary neoplastic syndrome; Neoplastic Syndromes, Hereditary. Identifiers: Orphanet 140162, MedGen C0027672, MeSH D009386, MONDO:0015356.

Submission:

Labcorp Genetics (formerly Invitae), Labcorp
Classification: Uncertain significance for Hereditary cancer-predisposing syndrome. Last evaluated: 2023-07-10. Review status: criteria provided, single submitter. Criteria: Invitae Variant Classification Sherloc (09022015). Collection method: clinical testing. Allele origin: germline.
Comment: In summary, the available evidence is currently insufficient to determine the role of this variant in disease. Therefore, it has been classified as a Variant of Uncertain Significance. Advanced modeling of protein sequence and biophysical properties (such as structural, functional, and spatial information, amino acid conservation, physicochemical variation, residue mobility, and thermodynamic stability) performed at Invitae indicates that this missense variant is expected to disrupt RAD50 protein function. ClinVar contains an entry for this variant (Variation ID: 1467166). This variant has not been reported in the literature in individuals affected with RAD50-related conditions. This variant is not present in population databases (gnomAD no frequency). This sequence change replaces asparagine, which is neutral and polar, with isoleucine, which is neutral and non-polar, at codon 38 of the RAD50 protein (p.Asn38Ile).